The following is an entry in ClinVar:

ClinVar aggregate classification (germline): Uncertain significance. Review status: criteria provided, multiple submitters, no conflicts (2 of 4 stars). 2 submissions from 2 submitters: Uncertain significance (2). Last evaluated 2026-05-20.

Conditions:
Norman-Roberts syndrome (LIS2). Also called: Lissencephaly 2 (Norman-Roberts type). Identifiers: Orphanet 89844, MedGen C0796089, MONDO:0009760, OMIM 257320.
Familial temporal lobe epilepsy 7. Identifiers: Orphanet 101046, MedGen C4225327, MONDO:0014639, OMIM 616436.
Inborn genetic diseases. Identifiers: MedGen C0950123, MeSH D030342.

Allele frequency attached by ClinVar (database versions not stated): gnomAD exomes below 0.00001; TOPMed 0.00002; gnomAD 0.00002.
gnomAD v4.1: 6 of 1,613,888 alleles (0.00037%); highest among the groups gnomAD compares: African/African-American, 0.0067%; no homozygotes.

Submissions (2):

Ambry Genetics
Classification: Uncertain significance for Inborn genetic diseases. Last evaluated: 2026-05-20. Review status: criteria provided, single submitter. Criteria: Ambry Variant Classification Scheme 2023. Collection method: clinical testing. Allele origin: germline.

Labcorp Genetics (formerly Invitae), Labcorp
Classification: Uncertain significance for Familial temporal lobe epilepsy 7; Norman-Roberts syndrome. Last evaluated: 2025-11-27. Review status: criteria provided, single submitter. Criteria: Invitae Variant Classification Sherloc (09022015). Collection method: clinical testing. Allele origin: germline.
Comment: This sequence change replaces histidine, which is basic and polar, with tyrosine, which is neutral and polar, at codon 382 of the RELN protein (p.His382Tyr). This variant is not present in population databases (gnomAD no frequency). This variant has not been reported in the literature in individuals affected with RELN-related conditions. ClinVar contains an entry for this variant (Variation ID: 2073309). An algorithm developed to predict the effect of missense changes on protein structure and function (PolyPhen-2) suggests that this variant is likely to be disruptive. In summary, the available evidence is currently insufficient to determine the role of this variant in disease. Therefore, it has been classified as a Variant of Uncertain Significance.

NM_005045.4(RELN):c.1144C>T (p.His382Tyr)

Gene: RELN (reelin; minus strand). Cytogenetic location: 7q22.1.
Variant type: single nucleotide variant.
Coding change: c.1144C>T on transcript NM_005045.4 (MANE Select); coding-DNA position 1144, C replaced by T.
Protein change: p.His382Tyr; replaces histidine 382 with tyrosine.
Molecular consequence: missense variant.
Genome position (GRCh38, 1-based): chr7:103,682,261, G>A on the plus strand (C>T on the coding strand, the complement: RELN is on the minus strand). VCF-style: chr7-103682261-G-A. GRCh37 (hg19) VCF-style: chr7-103322708-G-A.
Other names: c.1144C>T (NM_005045.3); c.1144C>T, p.His382Tyr (NM_173054.3); short protein forms H382Y.
Identifiers: ClinVar variation 2073309 (VCV002073309.5), dbSNP rs905903434, ClinGen allele CA163856046.